The following is an entry in ClinVar:

ClinVar aggregate classification (germline): Uncertain significance (1 of 4 stars; one submission).

Conditions:
Charcot-Marie-Tooth disease axonal type 2O. Also called: CHARCOT-MARIE-TOOTH NEUROPATHY, AXONAL, TYPE 2O; CHARCOT-MARIE-TOOTH DISEASE, AXONAL, AUTOSOMAL DOMINANT, TYPE 2O; Charcot-Marie-Tooth Neuropathy Type 2O; Charcot-Marie-Tooth disease, axonal, type 20. Identifiers: Orphanet 284232, MedGen C3280220, MONDO:0013644, OMIM 614228.

Submission:

Labcorp Genetics (formerly Invitae), Labcorp
Classification: Uncertain significance for Charcot-Marie-Tooth disease axonal type 2O. Last evaluated: 2019-11-27. Review status: criteria provided, single submitter. Criteria: Invitae Variant Classification Sherloc (09022015). Collection method: clinical testing. Allele origin: germline.
Comment: This sequence change replaces asparagine with serine at codon 3145 of the DYNC1H1 protein (p.Asn3145Ser). The asparagine residue is highly conserved and there is a small physicochemical difference between asparagine and serine. This variant is not present in population databases (ExAC no frequency). This variant has not been reported in the literature in individuals with DYNC1H1-related conditions. Algorithms developed to predict the effect of missense changes on protein structure and function (SIFT, PolyPhen-2, Align-GVGD) all suggest that this variant is likely to be disruptive, but these predictions have not been confirmed by published functional studies and their clinical significance is uncertain. In summary, the available evidence is currently insufficient to determine the role of this variant in disease. Therefore, it has been classified as a Variant of Uncertain Significance.

NM_001376.5(DYNC1H1):c.9434A>G (p.Asn3145Ser)

Genes: DYNC1H1 (dynein cytoplasmic 1 heavy chain 1; plus strand), LOC126862060 (BRD4-independent group 4 enhancer GRCh37_chr14:102493659-102494858; plus strand). Cytogenetic location: 14q32.31.
Variant type: single nucleotide variant.
Coding change: c.9434A>G on transcript NM_001376.5 (MANE Select); coding-DNA position 9434, A replaced by G.
Protein change: p.Asn3145Ser; replaces asparagine 3145 with serine.
Molecular consequence: missense variant.
Genome position (GRCh38, 1-based): chr14:102,028,107, A>G. VCF-style: chr14-102028107-A-G. GRCh37 (hg19) VCF-style: chr14-102494444-A-G.
Other names: short protein forms N3145S.
Identifiers: ClinVar variation 861825 (VCV000861825.10), dbSNP rs2048470595, ClinGen allele CA391014539.
Genomic context (GRCh38, chr14:102,028,107, plus strand): 5'-ACATGCCAGTTGTGTATGATAAGCTGCCGCAGCCACCATCCCATCGGGAAGCCATTGTGA[A>G]CAGCTGTGTGTTTGTTCATCAGACTCTTCACCAGGTGGGTTCAGTTTTGAGATCAACAGA-3'
Protein context (NP_001367.2, residues 3135-3155): QPPSHREAIV[Asn3145Ser]SCVFVHQTLH